The following is an entry in ClinVar:

NM_000815.5(GABRD):c.14C>G (p.Ala5Gly)

Gene: GABRD (gamma-aminobutyric acid type A receptor subunit delta; plus strand). Cytogenetic location: 1p36.33.
Variant type: single nucleotide variant.
Coding change: c.14C>G on transcript NM_000815.5 (MANE Select); coding-DNA position 14, C replaced by G.
Protein change: p.Ala5Gly; replaces alanine 5 with glycine.
Molecular consequence: missense variant.
Genome position (GRCh38, 1-based): chr1:2,019,437, C>G. VCF-style: chr1-2019437-C-G. GRCh37 (hg19) VCF-style: chr1-1950876-C-G.
Other names: short protein forms A5G.
Identifiers: ClinVar variation 529513 (VCV000529513.8), dbSNP rs1207791272, ClinGen allele CA337953588.

ClinVar aggregate classification (germline): Uncertain significance (1 of 4 stars; one submission).

Conditions:
Idiopathic generalized epilepsy. Also called: EIG; Generalised epilepsy. Identifiers: MedGen C0270850, MONDO:0005579, OMIM 600669.

Allele frequency attached by ClinVar (database versions not stated): gnomAD exomes below 0.00001; TOPMed below 0.00001; gnomAD 0.00001.
gnomAD v4.1: 3 of 1,102,030 alleles (0.00027%); highest among the groups gnomAD compares: South Asian, 0.0076%; no homozygotes.

Submission:

Labcorp Genetics (formerly Invitae), Labcorp
Classification: Uncertain significance for Idiopathic generalized epilepsy. Last evaluated: 2022-11-29. Review status: criteria provided, single submitter. Criteria: Invitae Variant Classification Sherloc (09022015). Collection method: clinical testing. Allele origin: germline.
Comment: This sequence change replaces alanine, which is neutral and non-polar, with glycine, which is neutral and non-polar, at codon 5 of the GABRD protein (p.Ala5Gly). The frequency data for this variant in the population databases is considered unreliable, as metrics indicate insufficient coverage at this position in the gnomAD database. In summary, the available evidence is currently insufficient to determine the role of this variant in disease. Therefore, it has been classified as a Variant of Uncertain Significance. Algorithms developed to predict the effect of missense changes on protein structure and function output the following: SIFT: "Tolerated"; PolyPhen-2: "Not Available"; Align-GVGD: "Class C0". The glycine amino acid residue is found in multiple mammalian species, which suggests that this missense change does not adversely affect protein function. ClinVar contains an entry for this variant (Variation ID: 529513). This variant has not been reported in the literature in individuals affected with GABRD-related conditions.